The following is an entry in ClinVar:

NM_001017995.3(SH3PXD2B):c.2578G>A (p.Asp860Asn)

Gene: SH3PXD2B (SH3 and PX domains 2B; minus strand). Cytogenetic location: 5q35.1.
Variant type: single nucleotide variant.
Coding change: c.2578G>A on transcript NM_001017995.3 (MANE Select); coding-DNA position 2578, G replaced by A.
Protein change: p.Asp860Asn; replaces aspartic acid 860 with asparagine.
Molecular consequence: missense variant. On other transcripts: intron variant (1).
Genome position (GRCh38, 1-based): chr5:172,338,527, C>T on the plus strand (G>A on the coding strand, the complement: SH3PXD2B is on the minus strand). VCF-style: chr5-172338527-C-T. GRCh37 (hg19) VCF-style: chr5-171765531-C-T.
Other names: c.1188+7609G>A (NM_001308175.2); c.2578G>A (NM_001017995.2); short protein forms D860N.
Identifiers: ClinVar variation 1055418 (VCV001055418.22), dbSNP rs765472301, ClinGen allele CA3560931.

ClinVar aggregate classification (germline): Conflicting classifications of pathogenicity. Review status: criteria provided, conflicting classifications (1 of 4 stars). 3 submissions from 3 submitters: Uncertain significance (2); Likely benign (1). Last evaluated 2024-11-01.

Conditions:
Inborn genetic diseases. Identifiers: MedGen C0950123, MeSH D030342.

Allele frequency attached by ClinVar (database versions not stated): ExAC 0.00010; gnomAD exomes 0.00010 and 0.00019; gnomAD 0.00014 and 0.00015; TOPMed 0.00014.
gnomAD v4.1: 310 of 1,614,064 alleles (0.019%); highest among the groups gnomAD compares: Non-Finnish European, 0.023%; no homozygotes.

Submissions (3):

CeGaT Center for Human Genetics Tuebingen
Classification: Uncertain significance. Last evaluated: 2024-11-01. Review status: criteria provided, single submitter. Criteria: CeGaT Center For Human Genetics Tuebingen Variant Classification Criteria Version 2. Collection method: clinical testing. Allele origin: germline. Affected: yes. Observed: 1 variant allele.
Comment: SH3PXD2B: PM2:Supporting, BP4

Labcorp Genetics (formerly Invitae), Labcorp
Classification: Uncertain significance. Last evaluated: 2024-10-28. Review status: criteria provided, single submitter. Criteria: Invitae Variant Classification Sherloc (09022015). Collection method: clinical testing. Allele origin: germline.
Comment: This sequence change replaces aspartic acid, which is acidic and polar, with asparagine, which is neutral and polar, at codon 860 of the SH3PXD2B protein (p.Asp860Asn). This variant is present in population databases (rs765472301, gnomAD 0.02%). This variant has not been reported in the literature in individuals affected with SH3PXD2B-related conditions. ClinVar contains an entry for this variant (Variation ID: 1055418). An algorithm developed to predict the effect of missense changes on protein structure and function outputs the following: PolyPhen-2: "Benign". The asparagine amino acid residue is found in multiple mammalian species, which suggests that this missense change does not adversely affect protein function. In summary, the available evidence is currently insufficient to determine the role of this variant in disease. Therefore, it has been classified as a Variant of Uncertain Significance.

Ambry Genetics
Classification: Likely benign for Inborn genetic diseases. Last evaluated: 2023-05-30. Review status: criteria provided, single submitter. Criteria: Ambry Variant Classification Scheme 2023. Collection method: clinical testing. Allele origin: germline.